The following is an entry in ClinVar:

ClinVar aggregate classification (germline): Conflicting classifications of pathogenicity. Review status: criteria provided, conflicting classifications (1 of 4 stars). 2 submissions from 2 submitters: Likely pathogenic (1); Uncertain significance (1). Last evaluated 2024-11-27.

Conditions:
Nonsyndromic Deafness. Also called: Non-syndromic hearing loss; Nonsyndromic hearing loss. Identifiers: MedGen C3711374, MeSH C580334.

Allele frequency attached by ClinVar (database versions not stated): gnomAD 0.00001; gnomAD exomes 0.00002 and 0.00003; TOPMed 0.00002; ExAC 0.00003; ESP Exome Variant Server 0.00008.
gnomAD v4.1: 46 of 1,613,702 alleles (0.0029%); highest among the groups gnomAD compares: Non-Finnish European, 0.0038%; no homozygotes.

Submissions (2):

Labcorp Genetics (formerly Invitae), Labcorp
Classification: Uncertain significance. Last evaluated: 2024-11-27. Review status: criteria provided, single submitter. Criteria: Invitae Variant Classification Sherloc (09022015). Collection method: clinical testing. Allele origin: germline.
Comment: This sequence change creates a premature translational stop signal (p.Arg235*) in the GJB3 gene. While this is not anticipated to result in nonsense mediated decay, it is expected to disrupt the last 36 amino acid(s) of the GJB3 protein. This variant is present in population databases (rs144964568, gnomAD 0.004%). This variant has not been reported in the literature in individuals affected with GJB3-related conditions. ClinVar contains an entry for this variant (Variation ID: 561271). Experimental studies and prediction algorithms are not available or were not evaluated, and the functional significance of this variant is currently unknown. In summary, the available evidence is currently insufficient to determine the role of this variant in disease. Therefore, it has been classified as a Variant of Uncertain Significance.

GeneID Lab - Advanced Molecular Diagnostics
Classification: Likely pathogenic for Nonsyndromic Hearing Loss. Last evaluated: 2018-03-10. Review status: criteria provided, single submitter. Criteria: ACMG Guidelines, 2015. Collection method: clinical testing. Allele origin: germline. Observed: 1 variant allele.
Comment: This variant creates a premature stop signal at position 235 of the GJB3 protein, written as p.Arg235Ter or p.R235*. The substitution is predicted to result in a non-functional GJB3 protein, either through protein truncation or nonsense-mediated mRNA decay. This mutation is considered a non-tolerated amino acid change based on in silico prediction algorithms (disease causing), and it has not been reported in the ClinVar Database (NCBI National Library of Medicine, NIH), but it has been described in 3 alleles out of 119888, in the ExAC database, all of them belonging to heterozygous carries of European origin. Based on these findings and the limited literature regarding this substitution we consider it as a likely pathogenic variant.

NM_024009.3(GJB3):c.703C>T (p.Arg235Ter)

Gene: GJB3 (gap junction protein beta 3; plus strand). Cytogenetic location: 1p34.3.
Variant type: single nucleotide variant.
Coding change: c.703C>T on transcript NM_024009.3 (MANE Select); coding-DNA position 703, C replaced by T.
Protein change: p.Arg235Ter; replaces arginine 235 with a stop codon.
Molecular consequence: nonsense.
Genome position (GRCh38, 1-based): chr1:34,785,465, C>T. VCF-style: chr1-34785465-C-T. GRCh37 (hg19) VCF-style: chr1-35251066-C-T.
Other names: c.703C>T, p.Arg235Ter (NM_001005752.2); short protein forms R235*.
Identifiers: ClinVar variation 561271 (VCV000561271.9), dbSNP rs144964568, ClinGen allele CA754894.